The following is an entry in ClinVar:

NM_153766.3(KCNJ1):c.1001del (p.Pro334fs)

Gene: KCNJ1 (potassium inwardly rectifying channel subfamily J member 1; minus strand). Cytogenetic location: 11q24.3.
Variant type: Deletion.
Coding change: c.1001del on transcript NM_153766.3 (MANE Select); coding-DNA position 1001, one base deleted (C; older notation c.1001delC).
Protein change: p.Pro334fs; shifts the reading frame from proline 334.
Molecular consequence: frameshift variant.
Genome position (GRCh38, 1-based): chr11:128,839,243, G deleted on the plus strand (C on the coding strand, the reverse complement: KCNJ1 is on the minus strand); the first of 4 consecutive G bases (chr11:128,839,243-128,839,246); deleting any one gives the same sequence. VCF-style (leftmost placement, unchanged base first): chr11-128839242-AG-A. GRCh37 (hg19) VCF-style: chr11-128709137-AG-A.
Other names: c.1058del, p.Pro353fs (NM_000220.6); c.1001del, p.Pro334fs (NM_153764.3, NM_153767.4); c.1052del, p.Pro351fs (NM_153765.3); short protein forms P334fs, P351fs, P353fs.
Identifiers: ClinVar variation 1341767 (VCV001341767.4), dbSNP rs768286324, ClinGen allele CA673265905.

ClinVar aggregate classification (germline): Conflicting classifications of pathogenicity. Review status: criteria provided, conflicting classifications (1 of 4 stars). 2 submissions from 2 submitters: Pathogenic (1); Uncertain significance (1). Last evaluated 2023-08-06.

Conditions:
Bartter disease type 2. Also called: HYPERPROSTAGLANDIN E SYNDROME 2; HYPOKALEMIC ALKALOSIS WITH HYPERCALCIURIA 2, ANTENATAL; Bartter syndrome, type 2, antenatal. Identifiers: Orphanet 112, Orphanet 620220, MedGen C1855849, MONDO:0009424, OMIM 241200.

Submissions (2):

Labcorp Genetics (formerly Invitae), Labcorp
Classification: Pathogenic. Last evaluated: 2023-08-06. Review status: criteria provided, single submitter. Criteria: Invitae Variant Classification Sherloc (09022015). Collection method: clinical testing. Allele origin: germline.
Comment: For these reasons, this variant has been classified as Pathogenic. This variant disrupts a region of the KCNJ1 protein in which other variant(s) (p.His354Serfs*8) have been determined to be pathogenic (PMID: 11318951). This suggests that this is a clinically significant region of the protein, and that variants that disrupt it are likely to be disease-causing. ClinVar contains an entry for this variant (Variation ID: 1341767). This variant has not been reported in the literature in individuals affected with KCNJ1-related conditions. This variant is not present in population databases (gnomAD no frequency). This sequence change creates a premature translational stop signal (p.Pro353Leufs*17) in the KCNJ1 gene. While this is not anticipated to result in nonsense mediated decay, it is expected to disrupt the last 39 amino acid(s) of the KCNJ1 protein.

New York Genome Center
Classification: Uncertain significance for Bartter disease type 2. Last evaluated: 2021-01-22. Review status: criteria provided, single submitter. Criteria: NYGC Assertion Criteria 2020. Collection method: clinical testing. Allele origin: inherited. Observed: 1 heterozygote. Study: CSER-NYCKidSeq.

Literature cited by the submitters: PubMed 11318951 (cited by Labcorp Genetics (formerly Invitae), Labcorp).